The following is an entry in ClinVar:

NM_001008537.3(NEXMIF):c.28G>A (p.Val10Ile)

Gene: NEXMIF (neurite extension and migration factor; minus strand). Cytogenetic location: Xq13.3.
Variant type: single nucleotide variant.
Coding change: c.28G>A on transcript NM_001008537.3 (MANE Select); coding-DNA position 28, G replaced by A.
Protein change: p.Val10Ile; replaces valine 10 with isoleucine.
Molecular consequence: missense variant.
Genome position (GRCh38, 1-based): chrX:74,745,623, C>T on the plus strand (G>A on the coding strand, the complement: NEXMIF is on the minus strand). VCF-style: chrX-74745623-C-T. GRCh37 (hg19) VCF-style: chrX-73965458-C-T.
Other names: short protein forms V10I.
Identifiers: ClinVar variation 4770153 (VCV004770153.1).

ClinVar aggregate classification (germline): Uncertain significance (1 of 4 stars; one submission).

gnomAD v4.1: 2 of 1,196,842 alleles (0.00017%); highest among the groups gnomAD compares: African/African-American, 0.0035%; no homozygotes.

Submission:

Labcorp Genetics (formerly Invitae), Labcorp
Classification: Uncertain significance. Last evaluated: 2025-05-21. Review status: criteria provided, single submitter. Criteria: Invitae Variant Classification Sherloc (09022015). Collection method: clinical testing. Allele origin: germline.
Comment: This sequence change replaces valine, which is neutral and non-polar, with isoleucine, which is neutral and non-polar, at codon 10 of the NEXMIF protein (p.Val10Ile). This variant is not present in population databases (gnomAD no frequency). This variant has not been reported in the literature in individuals affected with NEXMIF-related conditions. An algorithm developed to predict the effect of missense changes on protein structure and function outputs the following: PolyPhen-2: "Benign". The isoleucine amino acid residue is found in multiple mammalian species, which suggests that this missense change does not adversely affect protein function. In summary, the available evidence is currently insufficient to determine the role of this variant in disease. Therefore, it has been classified as a Variant of Uncertain Significance.